The following is an entry in ClinVar:

ClinVar aggregate classification (germline): Benign/Likely benign. Review status: criteria provided, multiple submitters, no conflicts (2 of 4 stars). 4 submissions from 4 submitters: Benign (1); Likely benign (3). Last evaluated 2025-08-31.

Conditions:
Familial cancer of breast. Also called: BREAST CANCER, FAMILIAL; Hereditary breast cancer; hereditary breast carcinoma. Identifiers: Orphanet 227535, MedGen C0346153, MONDO:0016419, OMIM 114480. Disease mechanism: loss of function.
Fanconi anemia complementation group J. Also called: BRIP1-Related Fanconi Anemia. Identifiers: Orphanet 84, MedGen C1836860, MONDO:0012187, OMIM 609054.
Hereditary cancer-predisposing syndrome. Also called: Neoplastic Syndromes, Hereditary; Tumor predisposition; Hereditary neoplastic syndrome; Hereditary Cancer Syndrome. Identifiers: Orphanet 140162, MedGen C0027672, MeSH D009386, MONDO:0015356.

Allele frequency attached by ClinVar (database versions not stated): ExAC 0.00001.
gnomAD v4.1: 3 of 1,613,984 alleles (0.00019%); highest among the groups gnomAD compares: Non-Finnish European, 0.00025%; no homozygotes.

Submissions (4):

Labcorp Genetics (formerly Invitae), Labcorp
Classification: Likely benign for Familial cancer of breast; Fanconi anemia complementation group J. Last evaluated: 2025-08-31. Review status: criteria provided, single submitter. Criteria: Invitae Variant Classification Sherloc (09022015). Collection method: clinical testing. Allele origin: germline.

Myriad Genetics, Inc.
Classification: Benign for Familial cancer of breast. Last evaluated: 2024-08-12. Review status: criteria provided, single submitter. Criteria: Myriad Autosomal Dominant, Autosomal Recessive and X-Linked Classification Criteria (2023). Collection method: clinical testing. Allele origin: unknown.
Comment: This variant is considered benign. This variant is a silent/synonymous amino acid change and it is not expected to impact splicing.

Color Diagnostics, LLC DBA Color Health
Classification: Likely benign for Hereditary cancer-predisposing syndrome. Last evaluated: 2022-08-15. Review status: criteria provided, single submitter. Criteria: ACMG Guidelines, 2015. Collection method: clinical testing. Allele origin: germline.

Ambry Genetics
Classification: Likely benign for Hereditary cancer-predisposing syndrome. Last evaluated: 2020-07-17. Review status: criteria provided, single submitter. Criteria: Ambry Variant Classification Scheme 2023. Collection method: clinical testing. Allele origin: germline.

NM_032043.3(BRIP1):c.267A>G (p.Ala89=)

Gene: BRIP1 (BRCA1 interacting DNA helicase 1; minus strand). Cytogenetic location: 17q23.2.
Variant type: single nucleotide variant.
Coding change: c.267A>G on transcript NM_032043.3 (MANE Select); coding-DNA position 267, A replaced by G.
Protein change: p.Ala89=; no amino-acid change (alanine 89 retained).
Molecular consequence: synonymous variant.
Genome position (GRCh38, 1-based): chr17:61,857,170, T>C on the plus strand (A>G on the coding strand, the complement: BRIP1 is on the minus strand). VCF-style: chr17-61857170-T-C. GRCh37 (hg19) VCF-style: chr17-59934531-T-C.
Identifiers: ClinVar variation 241643 (VCV000241643.15), dbSNP rs764027029, ClinGen allele CA8690966.